The following is an entry in ClinVar:

ClinVar aggregate classification (germline): Uncertain significance (1 of 4 stars; one submission).

Conditions:
Developmental and epileptic encephalopathy, 25 (DEE25). Also called: Epileptic encephalopathy, early infantile, 25; Developmental and epileptic encephalopathy 25, with amelogenesis imperfecta; Epileptic encephalopathy, early infantile, 25, with amelogenesis imperfecta. Identifiers: Orphanet 442835, MedGen C4014621, MONDO:0014392, OMIM 615905.

Submission:

Labcorp Genetics (formerly Invitae), Labcorp
Classification: Uncertain significance for Developmental and epileptic encephalopathy, 25. Last evaluated: 2025-10-11. Review status: criteria provided, single submitter. Criteria: Invitae Variant Classification Sherloc (09022015). Collection method: clinical testing. Allele origin: germline.
Comment: This sequence change replaces glutamine, which is neutral and polar, with arginine, which is basic and polar, at codon 236 of the SLC13A5 protein (p.Gln236Arg). This variant is not present in population databases (gnomAD no frequency). This variant has not been reported in the literature in individuals affected with SLC13A5-related conditions. Invitae Evidence Modeling of protein sequence and biophysical properties (such as structural, functional, and spatial information, amino acid conservation, physicochemical variation, residue mobility, and thermodynamic stability) indicates that this missense variant is expected to disrupt SLC13A5 protein function with a positive predictive value of 80%. In summary, the available evidence is currently insufficient to determine the role of this variant in disease. Therefore, it has been classified as a Variant of Uncertain Significance.

NM_177550.5(SLC13A5):c.707A>G (p.Gln236Arg)

Gene: SLC13A5 (solute carrier family 13 member 5; minus strand). Cytogenetic location: 17p13.1.
Variant type: single nucleotide variant.
Coding change: c.707A>G on transcript NM_177550.5 (MANE Select); coding-DNA position 707, A replaced by G.
Protein change: p.Gln236Arg; replaces glutamine 236 with arginine.
Molecular consequence: missense variant.
Genome position (GRCh38, 1-based): chr17:6,702,979, T>C on the plus strand (A>G on the coding strand, the complement: SLC13A5 is on the minus strand). VCF-style: chr17-6702979-T-C. GRCh37 (hg19) VCF-style: chr17-6606298-T-C.
Other names: c.707A>G, p.Gln236Arg (NM_001143838.3); c.656A>G, p.Gln219Arg (NM_001284509.2); c.578A>G, p.Gln193Arg (NM_001284510.2); short protein forms Q236R, Q193R, Q219R.
Identifiers: ClinVar variation 4738226 (VCV004738226.1).